The following is an entry in ClinVar:

ClinVar aggregate classification (germline): Uncertain significance. Review status: criteria provided, multiple submitters, no conflicts (2 of 4 stars). 3 submissions from 3 submitters: Uncertain significance (3). Last evaluated 2023-11-13.

Conditions:
MHC class II deficiency. Also called: Bare lymphocyte syndrome 2; BLS, TYPE II. Identifiers: Orphanet 572, MedGen C5447452, MONDO:0008855.

Allele frequency attached by ClinVar (database versions not stated): gnomAD 0.00009 and 0.00010; TOPMed 0.00030.

Submissions (3):

Ambry Genetics
Classification: Uncertain significance. Last evaluated: 2023-11-13. Review status: criteria provided, single submitter. Criteria: Ambry Variant Classification Scheme 2023. Collection method: clinical testing. Allele origin: germline.

Blueprint Genetics
Classification: Uncertain significance. Last evaluated: 2023-03-02. Review status: criteria provided, single submitter. Criteria: ACMG Guidelines, 2015. Collection method: clinical testing. Allele origin: germline.

Labcorp Genetics (formerly Invitae), Labcorp
Classification: Uncertain significance for MHC class II deficiency. Last evaluated: 2022-10-25. Review status: criteria provided, single submitter. Criteria: Invitae Variant Classification Sherloc (09022015). Collection method: clinical testing. Allele origin: germline.
Comment: This sequence change replaces arginine, which is basic and polar, with cysteine, which is neutral and slightly polar, at codon 128 of the RFX5 protein (p.Arg128Cys). This variant is present in population databases (rs771181740, gnomAD 0.006%). This variant has not been reported in the literature in individuals affected with RFX5-related conditions. ClinVar contains an entry for this variant (Variation ID: 844621). Algorithms developed to predict the effect of missense changes on protein structure and function (SIFT, PolyPhen-2, Align-GVGD) all suggest that this variant is likely to be disruptive. In summary, the available evidence is currently insufficient to determine the role of this variant in disease. Therefore, it has been classified as a Variant of Uncertain Significance.

NM_001025603.2(RFX5):c.382C>T (p.Arg128Cys)

Gene: RFX5 (regulatory factor X5; minus strand). Cytogenetic location: 1q21.3.
Variant type: single nucleotide variant.
Coding change: c.382C>T on transcript NM_001025603.2 (MANE Select); coding-DNA position 382, C replaced by T.
Protein change: p.Arg128Cys; replaces arginine 128 with cysteine.
Molecular consequence: missense variant.
Genome position (GRCh38, 1-based): chr1:151,344,508, G>A on the plus strand (C>T on the coding strand, the complement: RFX5 is on the minus strand). VCF-style: chr1-151344508-G-A. GRCh37 (hg19) VCF-style: chr1-151316984-G-A.
Other names: c.382C>T, p.Arg128Cys (NM_000449.4, NM_001379412.1, NM_001379413.1 and 5 more transcripts); c.262C>T, p.Arg88Cys (NM_001379419.1, NM_001379420.1); short protein forms R128C, R88C.
Identifiers: ClinVar variation 844621 (VCV000844621.6), dbSNP rs771181740, ClinGen allele CA1089844.